The following is an entry in ClinVar:

NM_006914.4(RORB):c.2T>C (p.Met1Thr)

Genes: RORB (RAR related orphan receptor B; plus strand), RORB-AS1 (RORB antisense RNA 1; minus strand). Cytogenetic location: 9q21.13.
Variant type: single nucleotide variant.
Coding change: c.2T>C on transcript NM_006914.4 (MANE Select); coding-DNA position 2, T replaced by C.
Protein change: p.Met1Thr; changes the start codon (methionine 1).
Molecular consequence: missense variant, initiator codon variant.
Genome position (GRCh38, 1-based): chr9:74,497,978, T>C. VCF-style: chr9-74497978-T-C. GRCh37 (hg19) VCF-style: chr9-77112894-T-C.
Other names: short protein forms M1T.
Identifiers: ClinVar variation 1306466 (VCV001306466.3), dbSNP rs2117998071, ClinGen allele CA373770320.

ClinVar aggregate classification (germline): Uncertain significance (1 of 4 stars; one submission).

Submission:

GeneDx
Classification: Uncertain significance. Last evaluated: 2019-06-30. Review status: criteria provided, single submitter. Criteria: GeneDx Variant Classification Process June 2021. Collection method: clinical testing. Allele origin: germline. Affected: yes.
Comment: Not observed in large population cohorts (Lek et al., 2016); Initiation codon variant in a gene for which loss-of-function is not a known mechanism of disease; Has not been previously published as pathogenic or benign to our knowledge; Variants in candidate genes are classified as variants of uncertain significance in accordance with ACMG guidelines (Richards et al., 2015)